The following is an entry in ClinVar:

NC_000016.9:g.(23614991_23619184)_(23625413_23632682)del

Gene: PALB2 (partner and localizer of BRCA2; minus strand). Cytogenetic location: 16p12.2.
Variant type: Deletion.
Identifiers: ClinVar variation 1878401 (VCV001878401.1).

ClinVar aggregate classification (germline): Likely pathogenic (1 of 4 stars; one submission).

Conditions:
Hereditary breast ovarian cancer syndrome. Also called: Hereditary breast and ovarian cancer; Breast and ovarian cancer; Hereditary breast and/or ovarian cancer syndrome; BRCA1- and BRCA2-Associated Hereditary Breast and Ovarian Cancer; Hereditary breast and ovarian cancer syndrome; Hereditary breast and ovarian cancer syndrome (HBOC). Identifiers: Orphanet 145, MedGen C0677776, MeSH D061325, MONDO:0003582. Disease mechanism: loss of function.

Submission:

Women's Health and Genetics/Laboratory Corporation of America, LabCorp
Classification: Likely pathogenic for Hereditary breast ovarian cancer syndrome. Last evaluated: 2022-12-28. Review status: criteria provided, single submitter. Criteria: LabCorp Variant Classification Summary - May 2015. Collection method: clinical testing. Allele origin: germline.
Comment: Variant summary: The variant identified by MLPA or other technology involves the deletion of exons 11-12 in the PALB2 gene. A presumed nomenclature of c.(3113+1_3114-1)_(3350+1_3351-1)del has been designated for the purposes of this classification. Although exact breakpoints of this CNV are not known, it is expected to result in a large in-frame deletion affecting the WD40 domain (IPR031920) of the encoded protein. The variant was absent in 21694 control chromosomes (gnomAD database, structural variants dataset). To our knowledge, no occurrence of c.(3113+1_3114-1)_(3350+1_3351-1)del in individuals affected with Hereditary Breast And Ovarian Cancer Syndrome and no experimental evidence demonstrating its impact on protein function have been reported. Overlapping deletions in PALB2 (e.g. deletion of exon 11, deletion of exon 12) have been reported in patients/families affected with breast and ovarian cancer (e.g. PMIDs: 26681312, 31841383) and are classified as pathogenic/disease-associated. One clinical diagnostic laboratory has submitted clinical-significance assessments for this variant to ClinVar after 2014 and classified the variant as likely pathogenic. Based on the evidence outlined above, the variant was classified as likely pathogenic.